The following is an entry in ClinVar:

ClinVar aggregate classification (germline): Likely pathogenic (1 of 4 stars; one submission).

Conditions:
Dilated cardiomyopathy 1G (CMD1G). Identifiers: Orphanet 154, MedGen C1858763, MONDO:0011400, OMIM 604145.
Autosomal recessive limb-girdle muscular dystrophy type 2J (LGMDR10). Also called: Limb-girdle muscular dystrophy, type 2J; MUSCULAR DYSTROPHY, LIMB-GIRDLE, AUTOSOMAL RECESSIVE 10. Identifiers: Orphanet 140922, MedGen C1837342, MONDO:0012127, OMIM 608807.

Submission:

Labcorp Genetics (formerly Invitae), Labcorp
Classification: Likely pathogenic for Dilated cardiomyopathy 1G; Autosomal recessive limb-girdle muscular dystrophy type 2J. Last evaluated: 2024-10-18. Review status: criteria provided, single submitter. Criteria: Invitae Variant Classification Sherloc (09022015). Collection method: clinical testing. Allele origin: germline.
Comment: This sequence change affects a donor splice site in intron 215 of the TTN gene. It is expected to disrupt RNA splicing and likely results in a truncated or disrupted TTN protein. The frequency data for this variant in the population databases is considered unreliable, as metrics indicate poor data quality at this position in the gnomAD database. This variant has not been reported in the literature in individuals affected with TTN-related conditions. ClinVar contains an entry for this variant (Variation ID: 2102380). Algorithms developed to predict the effect of sequence changes on RNA splicing suggest that this variant may disrupt the consensus splice site. This variant is located in the I band of TTN (PMID: 25589632). Truncating variants in this region have been reported in individuals affected with autosomal recessive centronuclear myopathy (PMID: 23975875, internal data). Truncating variants in this region have also been identified in individuals affected with autosomal dominant dilated cardiomyopathy and/or cardio-related conditions (PMID: 27869827, 32964742, internal data). In summary, the currently available evidence indicates that the variant is pathogenic, but additional data are needed to prove that conclusively. Therefore, this variant has been classified as Likely Pathogenic.

Literature cited by the submitters: PubMed 25589632; PubMed 23975875; PubMed 27869827; PubMed 32964742.

NM_001267550.2(TTN):c.40222+1G>A

Gene: TTN (titin; minus strand). Cytogenetic location: 2q31.2.
Variant type: single nucleotide variant.
Coding change: c.40222+1G>A on transcript NM_001267550.2 (MANE Select); the canonical splice donor site of the intron after coding-DNA position 40222, G replaced by A.
Molecular consequence: splice donor variant. On other transcripts: intron variant (5).
Genome position (GRCh38, 1-based): chr2:178,647,063, C>T on the plus strand (G>A on the coding strand, the complement: TTN is on the minus strand). VCF-style: chr2-178647063-C-T. GRCh37 (hg19) VCF-style: chr2-179511790-C-T.
Other names: c.13283-4746G>A (NM_003319.4); c.13859-4746G>A (NM_133437.4); c.13658-4746G>A (NM_133432.3); c.32594-1033G>A (NM_133378.4); c.35375-1033G>A (NM_001256850.1).
Identifiers: ClinVar variation 2102380 (VCV002102380.4), dbSNP rs1238551111, ClinGen allele CA349441470.